The following is an entry in ClinVar:

ClinVar aggregate classification (germline): Uncertain significance. Review status: criteria provided, multiple submitters, no conflicts (2 of 4 stars). 4 submissions from 4 submitters: Uncertain significance (4). Last evaluated 2025-06-09.

Conditions:
Inborn genetic diseases. Identifiers: MedGen C0950123, MeSH D030342.

Allele frequency attached by ClinVar (database versions not stated): ExAC 0.00012; gnomAD exomes 0.00014 and 0.00019; gnomAD 0.00024 and 0.00026; TOPMed 0.00029; ESP Exome Variant Server 0.00054.
gnomAD v4.1: 304 of 1,613,194 alleles (0.019%); highest among the groups gnomAD compares: Non-Finnish European, 0.023%; no homozygotes.

Submissions (4):

Labcorp Genetics (formerly Invitae), Labcorp
Classification: Uncertain significance. Last evaluated: 2025-06-09. Review status: criteria provided, single submitter. Criteria: Invitae Variant Classification Sherloc (09022015). Collection method: clinical testing. Allele origin: germline.
Comment: This sequence change replaces arginine, which is basic and polar, with cysteine, which is neutral and slightly polar, at codon 687 of the POP1 protein (p.Arg687Cys). This variant is present in population databases (rs142902409, gnomAD 0.02%). This variant has not been reported in the literature in individuals affected with POP1-related conditions. ClinVar contains an entry for this variant (Variation ID: 1349150). An algorithm developed to predict the effect of missense changes on protein structure and function (PolyPhen-2) suggests that this variant is likely to be disruptive. In summary, the available evidence is currently insufficient to determine the role of this variant in disease. Therefore, it has been classified as a Variant of Uncertain Significance.

Ambry Genetics
Classification: Uncertain significance for Inborn genetic diseases. Last evaluated: 2024-11-07. Review status: criteria provided, single submitter. Criteria: Ambry Variant Classification Scheme 2023. Collection method: clinical testing. Allele origin: germline.

Blueprint Genetics
Classification: Uncertain significance. Last evaluated: 2024-10-03. Review status: criteria provided, single submitter. Criteria: ACMG Guidelines, 2015. Collection method: clinical testing. Allele origin: germline.

Breakthrough Genomics
Classification: Uncertain significance. Review status: criteria provided, single submitter. Criteria: ACMG Guidelines, 2015. Collection method: not provided. Allele origin: germline. Inheritance: Autosomal recessive inheritance. Affected: yes.

NM_001145860.2(POP1):c.2059C>T (p.Arg687Cys)

Gene: POP1 (POP1 ribonuclease P/MRP subunit; plus strand). Cytogenetic location: 8q22.2.
Variant type: single nucleotide variant.
Coding change: c.2059C>T on transcript NM_001145860.2 (MANE Select); coding-DNA position 2059, C replaced by T.
Protein change: p.Arg687Cys; replaces arginine 687 with cysteine.
Molecular consequence: missense variant.
Genome position (GRCh38, 1-based): chr8:98,156,051, C>T. VCF-style: chr8-98156051-C-T. GRCh37 (hg19) VCF-style: chr8-99168279-C-T.
Other names: c.2059C>T, p.Arg687Cys (NM_001145861.2, NM_015029.3); c.2059C>T (NM_015029.2); short protein forms R687C.
Identifiers: ClinVar variation 1349150 (VCV001349150.10), dbSNP rs142902409, ClinGen allele CA4820772.
Genomic context (GRCh38, chr8:98,156,051, plus strand): 5'-ATTTTAGTTTTCCAATCCTAAATTGTTCAACATTGGTTCTCCTGTATGTTTTTCTTTAGA[C>T]GCCCTCCTGCAAAACGGCCCAACTACGTTAAGCTTGGCACTCTGGCACCTTTCTGCTGTC-3'
Protein context (NP_001139332.1, residues 677-697): AKNLLEKYKR[Arg687Cys]PPAKRPNYVK